The following is an entry in ClinVar:

NM_001042517.2(DIAPH3):c.3163+1G>A

Gene: DIAPH3 (diaphanous related formin 3; minus strand). Cytogenetic location: 13q21.2.
Variant type: single nucleotide variant.
Coding change: c.3163+1G>A on transcript NM_001042517.2 (MANE Select); the canonical splice donor site of the intron after coding-DNA position 3163, G replaced by A.
Molecular consequence: splice donor variant.
Genome position (GRCh38, 1-based): chr13:59,810,787, C>T on the plus strand (G>A on the coding strand, the complement: DIAPH3 is on the minus strand). VCF-style: chr13-59810787-C-T. GRCh37 (hg19) VCF-style: chr13-60384921-C-T.
Other names: c.3163+1G>A (NM_001258369.2); c.2374+1G>A (NM_030932.4); c.2953+1G>A (NM_001258368.2); c.3025+1G>A (NM_001258367.2); c.3130+1G>A (NM_001258366.2).
Identifiers: ClinVar variation 3696271 (VCV003696271.2).

ClinVar aggregate classification (germline): Uncertain significance (1 of 4 stars; one submission).

gnomAD v4.1: 9 of 1,613,112 alleles (0.00056%); highest among the groups gnomAD compares: Non-Finnish European, 0.00076%; no homozygotes.

Submission:

Labcorp Genetics (formerly Invitae), Labcorp
Classification: Uncertain significance. Last evaluated: 2024-06-06. Review status: criteria provided, single submitter. Criteria: Invitae Variant Classification Sherloc (09022015). Collection method: clinical testing. Allele origin: germline.
Comment: This sequence change affects a donor splice site in intron 25 of the DIAPH3 gene. It is expected to disrupt RNA splicing. Variants that disrupt the donor or acceptor splice site typically lead to a loss of protein function (PMID: 16199547), however the current clinical and genetic evidence is not sufficient to establish whether loss-of-function variants in DIAPH3 cause disease. This variant is not present in population databases (gnomAD no frequency). This variant has not been reported in the literature in individuals affected with DIAPH3-related conditions. Algorithms developed to predict the effect of sequence changes on RNA splicing suggest that this variant may disrupt the consensus splice site. In summary, the available evidence is currently insufficient to determine the role of this variant in disease. Therefore, it has been classified as a Variant of Uncertain Significance.

Literature cited by the submitters: PubMed 16199547.